The following is an entry in ClinVar:

NM_020843.4(SCAPER):c.1420-8C>T

Gene: SCAPER (S-phase cyclin A associated protein in the ER; minus strand). Cytogenetic location: 15q24.3.
Variant type: single nucleotide variant.
Coding change: c.1420-8C>T on transcript NM_020843.4 (MANE Select); 8 bases into the intron before coding-DNA position 1420, C replaced by T.
Molecular consequence: intron variant.
Genome position (GRCh38, 1-based): chr15:76,765,646, G>A on the plus strand (C>T on the coding strand, the complement: SCAPER is on the minus strand). VCF-style: chr15-76765646-G-A. GRCh37 (hg19) VCF-style: chr15-77057987-G-A.
Other names: c.1036-8C>T (NM_001353011.2); c.1018-8C>T (NM_001353012.2, NM_001353010.2); c.1438-8C>T (NM_001353009.2); c.682-8C>T (NM_001145923.2).
Identifiers: ClinVar variation 3354275 (VCV003354275.2).
Genomic context (GRCh38, chr15:76,765,646, plus strand): 5'-TTCCAGTCCATGGACATACCACAGAAAGAAACACTCCCACTGCCCATGCTGGCCTAAAAT[G>A]TAATAAGGGAAGTTGAAAATCAAATCTTTGAACACAATTACAACTTTAGAAAATGAACTA-3'

ClinVar aggregate classification (germline): Likely benign. Review status: criteria provided, single submitter (1 of 4 stars). 2 submissions from 2 submitters: Likely benign (1). 1 of the submissions does not count toward it. Last evaluated 2021-11-30.

Conditions:
SCAPER-related disorder. Also called: SCAPER-related condition.

gnomAD v4.1: 54 of 1,565,304 alleles (0.0034%); highest among the groups gnomAD compares: Admixed American, 0.076%; no homozygotes.

Submissions (2):

Blueprint Genetics
Classification: Likely benign. Last evaluated: 2021-11-30. Review status: criteria provided, single submitter. Criteria: ACMG Guidelines, 2015. Collection method: clinical testing. Allele origin: germline.

PreventionGenetics, part of Exact Sciences
Classification: Likely benign for SCAPER-related condition. Last evaluated: 2024-08-27. Review status: no assertion criteria provided. Collection method: clinical testing. Allele origin: germline. Not counted in ClinVar's aggregate classification.
Comment: This variant is classified as likely benign based on ACMG/AMP sequence variant interpretation guidelines (Richards et al. 2015 PMID: 25741868, with internal and published modifications).